The following is an entry in ClinVar:

NM_002834.5(PTPN11):c.179G>T (p.Gly60Val)

Gene: PTPN11 (protein tyrosine phosphatase non-receptor type 11; plus strand). Cytogenetic location: 12q24.13.
Variant type: single nucleotide variant.
Coding change: c.179G>T on transcript NM_002834.5 (MANE Select); coding-DNA position 179, G replaced by T.
Protein change: p.Gly60Val; replaces glycine 60 with valine.
Molecular consequence: missense variant.
Genome position (GRCh38, 1-based): chr12:112,450,359, G>T. VCF-style: chr12-112450359-G-T. GRCh37 (hg19) VCF-style: chr12-112888163-G-T.
Other names: p.G60V; c.179G>T, p.Gly60Val (NM_001330437.2, NM_080601.3); c.176G>T, p.Gly59Val (NM_001374625.1); short protein forms G60V, G59V.
Identifiers: ClinVar variation 55797 (VCV000055797.24), dbSNP rs397507509, ClinGen allele CA284662.

ClinVar aggregate classification (germline): Pathogenic/Likely pathogenic. Review status: criteria provided, multiple submitters, no conflicts (2 of 4 stars). 11 submissions from 11 submitters: Pathogenic (9); Likely pathogenic (1). 1 of the submissions does not count toward it. Last evaluated 2025-08-25.

Conditions:
Noonan syndrome and Noonan-related syndrome. Identifiers: Orphanet 98733, MedGen C5681679, MONDO:0020297.
Noonan syndrome 1 (NS1). Also called: FEMALE PSEUDO-TURNER SYNDROME; PTPN11-Related Noonan Syndrome; TURNER PHENOTYPE WITH NORMAL KARYOTYPE. Identifiers: Orphanet 648, MedGen C4551602, MONDO:0008104, OMIM 163950. Disease mechanism: gain of function.
LEOPARD syndrome 1 (LPRD1). Also called: PTPN11-Related LEOPARD Syndrome; LENTIGINOSIS, CARDIOMYOPATHIC; MULTIPLE LENTIGINES SYNDROME. Identifiers: Orphanet 500, MedGen C4551484, MONDO:0100082, OMIM 151100.
RASopathy. Also called: Noonan spectrum disorder; rasopathies. Identifiers: Orphanet 536391, MedGen C5555857, MONDO:0021060.

Submissions (11):

Daryl Scott Lab, Baylor College of Medicine
Classification: Pathogenic for Noonan syndrome 1. Last evaluated: 2025-08-25. Review status: criteria provided, single submitter. Criteria: ACMG Guidelines, 2015. Collection method: clinical testing. Allele origin: de novo. Affected: yes. Observed: 1 heterozygote.
Comment: PS2, PS3, PS4, PM2, PM5, PP3

GeneDx
Classification: Pathogenic. Last evaluated: 2025-05-27. Review status: criteria provided, single submitter. Criteria: GeneDx Variant Classification Process June 2021. Collection method: clinical testing. Allele origin: germline. Affected: yes.
Comment: Not observed at significant frequency in large population cohorts (gnomAD); Missense variants in this gene are a common cause of disease and they are underrepresented in the general population; In silico analysis supports that this missense variant has a deleterious effect on protein structure/function; This variant is associated with the following publications: (PMID: 32499245, 27923552, 18701506, 15928039, 27460089, 29296745, 32934818, 29493581, 16053901, 9491886, 11992261, 16358218, 31130284, 27959697, 33249554, 30050098)

Genomic Medicine Center of Excellence, King Faisal Specialist Hospital and Research Centre
Classification: Pathogenic for Noonan syndrome 1. Last evaluated: 2024-12-19. Review status: criteria provided, single submitter. Criteria: ACMG Guidelines, 2015. Collection method: clinical testing. Allele origin: germline.

Labcorp Genetics (formerly Invitae), Labcorp
Classification: Likely pathogenic for RASopathy. Last evaluated: 2024-02-24. Review status: criteria provided, single submitter. Criteria: Invitae Variant Classification Sherloc (09022015). Collection method: clinical testing. Allele origin: germline.
Comment: This sequence change replaces glycine, which is neutral and non-polar, with valine, which is neutral and non-polar, at codon 60 of the PTPN11 protein (p.Gly60Val). This variant is not present in population databases (gnomAD no frequency). This missense change has been observed in individual(s) with clinical features of PTPN11-related conditions (PMID: 27959697). ClinVar contains an entry for this variant (Variation ID: 55797). Advanced modeling of protein sequence and biophysical properties (such as structural, functional, and spatial information, amino acid conservation, physicochemical variation, residue mobility, and thermodynamic stability) performed at Invitae indicates that this missense variant is expected to disrupt PTPN11 protein function with a positive predictive value of 95%. Experimental studies have shown that this missense change affects PTPN11 function (PMID: 30375388). This variant disrupts the p.Gly60 amino acid residue in PTPN11. Other variant(s) that disrupt this residue have been determined to be pathogenic (PMID: 11992261, 16643459, 17020470, 24039098, 26817465). This suggests that this residue is clinically significant, and that variants that disrupt this residue are likely to be disease-causing. In summary, the currently available evidence indicates that the variant is pathogenic, but additional data are needed to prove that conclusively. Therefore, this variant has been classified as Likely Pathogenic.

ARUP Laboratories, Molecular Genetics and Genomics, ARUP Laboratories
Classification: Pathogenic. Last evaluated: 2023-07-26. Review status: criteria provided, single submitter. Criteria: ARUP Molecular Germline Variant Investigation Process 2024. Collection method: clinical testing. Allele origin: germline.
Comment: The PTPN11 c.179G>T; p.Gly60Val variant (rs397507509) is reported in the literature in multiple individuals affected with Noonan syndrome (Leach 2019, Monies 2006, Posey 2017). This variant is also reported in ClinVar (Variation ID: 55797) and is absent from the Genome Aggregation Database, indicating it is not a common polymorphism. Additionally, other amino acid substitutions at this codon (Ala, Cys, Ser) have been reported in individuals with Noonan syndrome and are considered pathogenic (Bertelloni 2013, Limal 2006). Computational analyses predict that this variant is deleterious (REVEL: 0.931). Based on available information, this variant is considered to be pathogenic. References: Bertelloni S et al. IGF-I generation test in prepubertal children with Noonan syndrome due to mutations in the PTPN11 gene. Hormones (Athens). 2013 Jan-Mar;12(1):86-92. PMID: 23624134. Leach NT et al. Comparative assessment of gene-specific variant distribution in prenatal and postnatal cohorts tested for Noonan syndrome and related conditions. Genet Med. 2019 Feb;21(2):417-425. PMID: 29907801. Limal JM et al. Noonan syndrome: relationships between genotype, growth, and growth factors. J Clin Endocrinol Metab. 2006 Jan;91(1):300-6. PMID: 16263833. Monies D et al. Lessons Learned from Large-Scale, First-Tier Clinical Exome Sequencing in a Highly Consanguineous Population. Am J Hum Genet. 2019 Jun 6;104(6):1182-1201. PMID: 31130284. Posey JE et al. Resolution of Disease Phenotypes Resulting from Multilocus Genomic Variation. N Engl J Med. 2017 Jan 5;376(1):21-31. PMID: 27959697.

Equipe Genetique des Anomalies du Developpement, Université de Bourgogne
Classification: Pathogenic for Noonan syndrome 1; LEOPARD syndrome 1. Last evaluated: 2023-01-04. Review status: criteria provided, single submitter. Criteria: ACMG Guidelines, 2015. Collection method: clinical testing. Allele origin: de novo. Affected: yes.

Dasa
Classification: Pathogenic for Noonan syndrome 1. Last evaluated: 2022-01-05. Review status: criteria provided, single submitter. Criteria: ACMG Guidelines, 2015. Collection method: clinical testing. Allele origin: germline. Affected: yes. Observed: 1 variant allele.
Comment: The c.179G>T;p.(Gly60Val) missense variant has been observed in affected individual(s) and ClinVar contains an entry for this variant (ClinVar ID: ClinVar ID: 55797; PMID: 29907801; 18470943; 18701506) -.PS4. Well-established in vitro or in vivo functional studies support a damaging effect on the gene or gene product (PMID: 30375388) - PMID: 30375388 The variant is located in a mutational hot spot and/or critical and well-established functional domain (SH2 domain) - PM1. This variant is not present in population databases (rs397507509 , gnomAD; ABraOM no frequency) - PM2. Pathogenic missense variant in this residue have been reported (Clinvar ID:40493; 987743; 40490; 372590; 41442) - PM5. Missense variant in PTPN11 that has a low rate of benign missense variation and in which missense variants are a common mechanism of disease - PP2. Multiple lines of computational evidence support a deleterious effect on the gene or gene product - PP3. In summary, the currently available evidence indicates that the variant is pathogenic.

Genome Diagnostics Laboratory, The Hospital for Sick Children
Classification: Pathogenic for Noonan syndrome and Noonan-related syndrome. Last evaluated: 2019-09-01. Review status: criteria provided, single submitter. Criteria: ACMG Guidelines, 2015. Collection method: clinical testing. Allele origin: germline. Affected: yes.

Centre for Mendelian Genomics, University Medical Centre Ljubljana
Classification: Pathogenic for Noonan syndrome 1. Last evaluated: 2019-05-27. Review status: criteria provided, single submitter. Criteria: ACMG Guidelines, 2015. Collection method: clinical testing. Allele origin: unknown. Affected: yes.
Comment: This variant was classified as: Pathogenic. The following ACMG criteria were applied in classifying this variant: PM2,PS1,PS2,PM1,PP3.

Centre of Medical Genetics, University Hospital Muenster
Classification: Pathogenic. Last evaluated: 2019-02-27. Review status: criteria provided, single submitter. Criteria: ACMG Guidelines, 2015. Collection method: clinical testing. Allele origin: de novo. Affected: yes. Observed: 1 variant allele, 1 heterozygote.
Comment: ACMG categories: PS2,PM1,PM2,PP3,PP5

Baylor Genetics
Classification: Likely pathogenic for Noonan syndrome 1. Last evaluated: 2014-04-09. Review status: no assertion criteria provided. Collection method: clinical testing. Allele origin: de novo. Inheritance: Autosomal dominant inheritance. Affected: yes. Observed: 1 variant allele, 1 heterozygote. Not counted in ClinVar's aggregate classification.

Literature cited by the submitters: PubMed 27959697 (cited by Labcorp Genetics (formerly Invitae), Labcorp); PubMed 30375388 (cited by Labcorp Genetics (formerly Invitae), Labcorp and Dasa); PubMed 11992261 (cited by Labcorp Genetics (formerly Invitae), Labcorp and Centre of Medical Genetics, University Hospital Muenster); PubMed 16643459 (cited by Labcorp Genetics (formerly Invitae), Labcorp); PubMed 17020470 (cited by Labcorp Genetics (formerly Invitae), Labcorp); PubMed 24039098 (cited by Labcorp Genetics (formerly Invitae), Labcorp); PubMed 26817465 (cited by Labcorp Genetics (formerly Invitae), Labcorp); PubMed 29907801 (cited by Dasa); PubMed 18470943 (cited by Dasa); PubMed 18701506 (cited by Dasa); PubMed 22097954 (cited by Dasa); PubMed 1672296 (cited by Dasa); PubMed 2564168 (cited by Dasa); PubMed 2572450 (cited by Dasa); PubMed 21407260 (cited by Centre of Medical Genetics, University Hospital Muenster); PubMed 22465605 (cited by Centre of Medical Genetics, University Hospital Muenster); PubMed 16263833 (cited by Centre of Medical Genetics, University Hospital Muenster).